The following is an entry in ClinVar:

ClinVar aggregate classification (germline): Uncertain significance (1 of 4 stars; one submission).

Submission:

Ambry Genetics
Classification: Uncertain significance. Last evaluated: 2025-09-27. Review status: criteria provided, single submitter. Criteria: Ambry Variant Classification Scheme 2023. Collection method: clinical testing. Allele origin: germline.
Comment: The p.P328H variant (also known as c.983C>A), located in coding exon 8 of the RNF43 gene, results from a C to A substitution at nucleotide position 983. The proline at codon 328 is replaced by histidine, an amino acid with similar properties. This amino acid position is conserved. In addition, this alteration is predicted to be tolerated by in silico analysis. Based on the available evidence, the clinical significance of this variant remains unclear.

NM_017763.6(RNF43):c.983C>A (p.Pro328His)

Gene: RNF43 (ring finger protein 43; minus strand). Cytogenetic location: 17q22.
Variant type: single nucleotide variant.
Coding change: c.983C>A on transcript NM_017763.6 (MANE Select); coding-DNA position 983, C replaced by A.
Protein change: p.Pro328His; replaces proline 328 with histidine.
Molecular consequence: missense variant.
Genome position (GRCh38, 1-based): chr17:58,358,793, G>T on the plus strand (C>A on the coding strand, the complement: RNF43 is on the minus strand). VCF-style: chr17-58358793-G-T. GRCh37 (hg19) VCF-style: chr17-56436154-G-T.
Other names: c.983C>A, p.Pro328His (NM_001305544.3, NM_001438820.1, NM_001438821.1 and 1 more transcripts); c.602C>A, p.Pro201His (NM_001305545.2, NM_001437987.1); short protein forms P201H, P328H.
Identifiers: ClinVar variation 4578951 (VCV004578951.1).
Genomic context (GRCh38, chr17:58,358,793, plus strand): 5'-TGGCCGGGATGCTGGCGAATGAGGTGGAGTCTTCGACCTGGTTCTTGGTAAGATCGAGAG[G>T]GTCCCAGGGACTGGGAAAATGAATCTCCCTCTGGAAAAAAGAACCAAGAGCACAGATGTT-3'
Protein context (NP_060233.3, residues 318-338): EGDSFSQSLG[Pro328His]SRSYQEPGRR